The following is an entry in ClinVar:

ClinVar aggregate classification (germline): Benign. Review status: criteria provided, multiple submitters, no conflicts (2 of 4 stars). 10 submissions from 10 submitters: Benign (9). 1 of the submissions does not count toward it. Last evaluated 2026-02-04.

Conditions:
Autosomal dominant polycystic kidney disease. Identifiers: Orphanet 730, MedGen C0085413, MONDO:0004691.
Polycystic kidney disease 2 (PKD2). Also called: Polycystic Kidney Disease 2, Autosomal Dominant; POLYCYSTIC KIDNEY DISEASE, ADULT, TYPE II; POLYCYSTIC KIDNEY DISEASE 2 WITH OR WITHOUT POLYCYSTIC LIVER DISEASE. Identifiers: MedGen C2751306, MONDO:0013131, OMIM 613095.
Polycystic kidney disease. Also called: Polycystic kidney dysplasia; Kidney, Polycystic. Identifiers: MedGen C0022680, MeSH D007690, MONDO:0020642, HP:0000113.

Allele frequency attached by ClinVar (database versions not stated): gnomAD 0.02396 and 0.02988; ExAC 0.06325; 1000 Genomes Project 0.10284; TOPMed 0.02787; 1000 Genomes Project 30x 0.09463; gnomAD exomes 0.02470 and 0.06306.
gnomAD v4.1: 39,000 of 1,511,924 alleles (2.6%); highest among the groups gnomAD compares: East Asian, 34%; 3,051 homozygotes.

Submissions (10):

Labcorp Genetics (formerly Invitae), Labcorp
Classification: Benign for Autosomal dominant polycystic kidney disease. Last evaluated: 2026-02-04. Review status: criteria provided, single submitter. Criteria: Invitae Variant Classification Sherloc (09022015). Collection method: clinical testing. Allele origin: germline.

Blueprint Genetics
Classification: Benign. Last evaluated: 2024-11-26. Review status: criteria provided, single submitter. Criteria: ACMG Guidelines, 2015. Collection method: clinical testing. Allele origin: germline.

Mayo Clinic Laboratories, Mayo Clinic
Classification: Benign. Last evaluated: 2022-10-28. Review status: criteria provided, single submitter. Criteria: ACMG Guidelines, 2015. Collection method: clinical testing. Allele origin: germline. Observed: 24 variant alleles.
Comment: BA1, BP4

ARUP Laboratories, Molecular Genetics and Genomics, ARUP Laboratories
Classification: Benign for Polycystic kidney disease 2. Last evaluated: 2019-12-27. Review status: criteria provided, single submitter. Criteria: ARUP Molecular Germline Variant Investigation Process. Collection method: clinical testing. Allele origin: germline.

GeneDx
Classification: Benign. Last evaluated: 2018-11-12. Review status: criteria provided, single submitter. Criteria: GeneDx Variant Classification Process June 2021. Collection method: clinical testing. Allele origin: germline. Affected: yes.
Comment: This variant is associated with the following publications: (PMID: 17574468, 22008521, 22863349, 18837007, 11438989, 20981092, 15192819, 27894351)

Illumina Laboratory Services, Illumina
Classification: Benign for Polycystic kidney disease 2. Last evaluated: 2018-03-06. Review status: criteria provided, single submitter. Criteria: ICSL Variant Classification Criteria 13 December 2019. Collection method: clinical testing. Allele origin: germline.
Comment: This variant was observed in the ICSL laboratory as part of a predisposition screen in an ostensibly healthy population. It had not been previously curated by ICSL or reported in the Human Gene Mutation Database (HGMD: prior to June 1st, 2018), and was therefore a candidate for classification through an automated scoring system. Utilizing variant allele frequency, disease prevalence and penetrance estimates, and inheritance mode, an automated score was calculated to assess if this variant is too frequent to cause the disease. Based on the score and internal cut-off values, a variant classified as benign is not then subjected to further curation. The score for this variant resulted in a classification of benign for this disease.

Eurofins Ntd Llc (ga)
Classification: Benign. Last evaluated: 2016-06-23. Review status: criteria provided, single submitter. Criteria: EGL Classification Definitions 2015. Collection method: clinical testing. Allele origin: germline. Observed: 5 variant alleles, 5 heterozygotes.

Breakthrough Genomics
Classification: Benign. Review status: criteria provided, single submitter. Criteria: ACMG Guidelines, 2015. Collection method: not provided. Allele origin: germline. Inheritance: Autosomal dominant inheritance. Affected: yes.

PreventionGenetics, part of Exact Sciences
Classification: Benign. Review status: criteria provided, single submitter. Criteria: ACMG Guidelines, 2015. Collection method: clinical testing. Allele origin: germline.

Department of Pathology and Laboratory Medicine, Sinai Health System
Classification: Benign for Polycystic Kidney disease. Review status: no assertion criteria provided. Collection method: clinical testing. Allele origin: unknown. Affected: yes. Study: The Canadian Open Genetics Repository (COGR). Not counted in ClinVar's aggregate classification.
Comment: The c.568G>A, p.Ala190Thr variant was identified in 6.32% of 645 control alleles in the Exome Aggregation Consortium (March 14, 2016). According to ACMG guidelines for variant classification based on allele frequency, category BA1, this variant is considered benign and has not been further reviewed (Richards 2015).

NM_000297.4(PKD2):c.568G>A (p.Ala190Thr)

Genes: PKD2 (polycystin 2, transient receptor potential cation channel; plus strand), LOC129992813 (ATAC-STARR-seq lymphoblastoid silent region 15559; plus strand). Cytogenetic location: 4q22.1.
Variant type: single nucleotide variant.
Coding change: c.568G>A on transcript NM_000297.4 (MANE Select); coding-DNA position 568, G replaced by A.
Protein change: p.Ala190Thr; replaces alanine 190 with threonine.
Molecular consequence: missense variant. On other transcripts: non-coding transcript variant (1).
Genome position (GRCh38, 1-based): chr4:88,008,301, G>A. VCF-style: chr4-88008301-G-A. GRCh37 (hg19) VCF-style: chr4-88929453-G-A.
Other names: short protein forms A190T.
Identifiers: ClinVar variation 92796 (VCV000092796.32), dbSNP rs117078377, ClinGen allele CA146021.
Genomic context (GRCh38, chr4:88,008,301, plus strand): 5'-GGCGGGGACCCGCTGCATCGCCACCTCCCCCTGGAAGGGCAGCCGCCCCGAGTGGCCTGG[G>A]CGGAGAGGCTGGTTCGCGGGCTGCGAGGTAAGAGCGCGCGACCCGCAGCGGCAGATGCAC-3'
Protein context (NP_000288.1, residues 180-200): LEGQPPRVAW[Ala190Thr]ERLVRGLRGL